The following is an entry in ClinVar:

ClinVar aggregate classification (germline): Conflicting classifications of pathogenicity. Review status: criteria provided, conflicting classifications (1 of 4 stars). 2 submissions from 2 submitters: Likely pathogenic (1); Uncertain significance (1). Last evaluated 2023-01-31.

Allele frequency attached by ClinVar (database versions not stated): gnomAD exomes below 0.00001.

Submissions (2):

Labcorp Genetics (formerly Invitae), Labcorp
Classification: Uncertain significance. Last evaluated: 2023-01-31. Review status: criteria provided, single submitter. Criteria: Invitae Variant Classification Sherloc (09022015). Collection method: clinical testing. Allele origin: germline.
Comment: This variant, c.1293_1310del, results in the deletion of 6 amino acid(s) of the COL4A4 protein (p.Lys434_Gly439del), but otherwise preserves the integrity of the reading frame. This variant is present in population databases (no rsID available, gnomAD no frequency). This variant has been observed in individual(s) with clinical features of Alport syndrome (PMID: 25575550). It has also been observed to segregate with disease in related individuals. ClinVar contains an entry for this variant (Variation ID: 1697185). In summary, the available evidence is currently insufficient to determine the role of this variant in disease. Therefore, it has been classified as a Variant of Uncertain Significance.

GeneDx
Classification: Likely pathogenic. Last evaluated: 2022-01-18. Review status: criteria provided, single submitter. Criteria: GeneDx Variant Classification Process June 2021. Collection method: clinical testing. Allele origin: germline. Affected: yes.
Comment: In-frame deletion of 6 amino acids within the triple helical domain expected to disrupt normal protein folding and function; Not observed at significant frequency in large population cohorts (gnomAD); In silico analysis supports a deleterious effect on protein structure/function; This variant is associated with the following publications: (PMID: 25575550)

Literature cited by the submitters: PubMed 25575550 (cited by Labcorp Genetics (formerly Invitae), Labcorp).

NM_000092.5(COL4A4):c.1293_1310del (p.Lys434_Gly439del)

Gene: COL4A4 (collagen type IV alpha 4 chain; minus strand). Cytogenetic location: 2q36.3.
Variant type: Deletion.
Coding change: c.1293_1310del on transcript NM_000092.5 (MANE Select); coding-DNA positions 1293 to 1310, 18 bases deleted (TCCAGGAAAACCAGGGAA).
Protein change: p.Lys434_Gly439del.
Molecular consequence: inframe deletion.
Genome position (GRCh38, 1-based): chr2:227,094,184-227,094,201, TTCCCTGGTTTTCCTGGA deleted on the plus strand (TCCAGGAAAACCAGGGAA on the coding strand, the reverse complement: COL4A4 is on the minus strand). VCF-style (leftmost placement, unchanged base first): chr2-227094183-CTTCCCTGGTTTTCCTGGA-C. GRCh37 (hg19) VCF-style: chr2-227958899-CTTCCCTGGTTTTCCTGGA-C.
Identifiers: ClinVar variation 1697185 (VCV001697185.5), dbSNP rs1362664502, ClinGen allele CA540306582.